The following is an entry in ClinVar:

NM_000535.7(PMS2):c.1310C>T (p.Pro437Leu)

Gene: PMS2 (PMS1 homolog 2, mismatch repair system component; minus strand). Cytogenetic location: 7p22.1.
Variant type: single nucleotide variant.
Coding change: c.1310C>T on transcript NM_000535.7 (MANE Select); coding-DNA position 1310, C replaced by T.
Protein change: p.Pro437Leu; replaces proline 437 with leucine.
Molecular consequence: missense variant. On other transcripts: non-coding transcript variant (1).
Genome position (GRCh38, 1-based): chr7:5,987,455, G>A on the plus strand (C>T on the coding strand, the complement: PMS2 is on the minus strand). VCF-style: chr7-5987455-G-A. GRCh37 (hg19) VCF-style: chr7-6027086-G-A.
Other names: c.1310C>T (NM_000535.5); c.905C>T, p.Pro302Leu (NM_001322003.2, NM_001322004.2, NM_001322005.2 and 1 more transcripts); c.1154C>T, p.Pro385Leu (NM_001322006.2); c.992C>T, p.Pro331Leu (NM_001322007.2, NM_001322008.2); c.749C>T, p.Pro250Leu (NM_001322010.2); c.377C>T, p.Pro126Leu (NM_001322011.2, NM_001322012.2); c.737C>T, p.Pro246Leu (NM_001322013.2); c.1310C>T, p.Pro437Leu (NM_001322014.2); and 1 more; short protein forms P126L, P246L, P250L, P302L, P331L, P334L, P385L, P437L.
Identifiers: ClinVar variation 1018712 (VCV001018712.9), dbSNP rs1783139001, ClinGen allele CA366742360.
Genomic context (GRCh38, chr7:5,987,455, plus strand): 5'-CTAGAAGACAGCATACCCCTTTTCTGTCCTAGAGGGCTCCTTCTTGGTTCTGGAGTCTTT[G>A]GGCTGTGAGGCTTGTTCTCTGTTGTGTGACGAAGAGAAAAGGCCTCTCGCAGTCTGGAAA-3'
Protein context (NP_000526.2, residues 427-447): RHTTENKPHS[Pro437Leu]KTPEPRRSPL

ClinVar aggregate classification (germline): Conflicting classifications of pathogenicity. Review status: criteria provided, conflicting classifications (1 of 4 stars). 2 submissions from 2 submitters: Uncertain significance (1); Likely benign (1). Last evaluated 2025-08-01.

Conditions:
Hereditary nonpolyposis colorectal neoplasms. Identifiers: MedGen C0009405, MeSH D003123.
Hereditary cancer-predisposing syndrome. Also called: Tumor predisposition; Neoplastic Syndromes, Hereditary; Hereditary neoplastic syndrome; Hereditary Cancer Syndrome. Identifiers: Orphanet 140162, MedGen C0027672, MeSH D009386, MONDO:0015356.

Submissions (2):

Ambry Genetics
Classification: Likely benign for Hereditary cancer-predisposing syndrome. Last evaluated: 2025-08-01. Review status: criteria provided, single submitter. Criteria: Ambry Variant Classification Scheme 2023. Collection method: clinical testing. Allele origin: germline.

Labcorp Genetics (formerly Invitae), Labcorp
Classification: Uncertain significance for Hereditary nonpolyposis colorectal neoplasms. Last evaluated: 2020-03-08. Review status: criteria provided, single submitter. Criteria: Invitae Variant Classification Sherloc (09022015). Collection method: clinical testing. Allele origin: germline.
Comment: This sequence change replaces proline with leucine at codon 437 of the PMS2 protein (p.Pro437Leu). The proline residue is weakly conserved and there is a moderate physicochemical difference between proline and leucine. This variant is not present in population databases (ExAC no frequency). This variant has not been reported in the literature in individuals with PMS2-related conditions. Algorithms developed to predict the effect of missense changes on protein structure and function output the following: SIFT: "Tolerated"; PolyPhen-2: "Benign"; Align-GVGD: "Class C0". The leucine amino acid residue is found in multiple mammalian species, suggesting that this missense change does not adversely affect protein function. These predictions have not been confirmed by published functional studies and their clinical significance is uncertain. In summary, the available evidence is currently insufficient to determine the role of this variant in disease. Therefore, it has been classified as a Variant of Uncertain Significance.